The following is an entry in ClinVar:

ClinVar aggregate classification (germline): Uncertain significance (1 of 4 stars; one submission).

Conditions:
DICER1-related tumor predisposition. Also called: DICER1 syndrome; DICER1-related pleuropulmonary blastoma cancer predisposition syndrome. Identifiers: Orphanet 284343, MedGen C3839822, MONDO:0100216.

Submission:

Labcorp Genetics (formerly Invitae), Labcorp
Classification: Uncertain significance for DICER1-related tumor predisposition. Last evaluated: 2025-03-05. Review status: criteria provided, single submitter. Criteria: Invitae Variant Classification Sherloc (09022015). Collection method: clinical testing. Allele origin: germline.
Comment: This sequence change inserts a large fragment of DNA, likely a transposable element, in exon 27 of the DICER1 gene (c.5671_5672ins?), causing a frameshift at codon 1891 (p.Lys1891fs). The exact size and sequence of the insertion cannot be determined by the current assay. However, the insertion is expected to result in an absent or disrupted protein product. This variant is not present in population databases (gnomAD no frequency). This variant has not been reported in the literature in individuals affected with DICER1-related conditions. Experimental studies and prediction algorithms are not available or were not evaluated, and the functional significance of this variant is currently unknown. Retrotransposon insertions including LINE1 (L1), Alu, and SVA (SINE-VNTR-Alu) have been reported to disrupt protein function (PMID: 19763152, 20307669, 22406018). However the effect of this particular variant is unknown. In summary, the available evidence is currently insufficient to determine the role of this variant in disease. Therefore, it has been classified as a Variant of Uncertain Significance.

Literature cited by the submitters: PubMed 19763152; PubMed 20307669; PubMed 22406018.

NM_177438.3(DICER1):c.5671_5672insGCCTGTAATCCCAGCACTTTGGGAGGCCGAGGCGGGCGGATCACGAGGTCAAGAGATCGAGACCATCCCGGCNNNNNNNNNNAAAAAAAAAAAAAAAAAAAAAGGAAAGGGGAAATTTA (p.Lys1891delinsSerLeuTer)

Gene: DICER1 (dicer 1, ribonuclease III; minus strand). Cytogenetic location: 14q32.13.
Variant type: Insertion.
Coding change: c.5671_5672insGCCTGTAATCCCAGCACTTTGGGAGGCCGAGGCGGGCGGATCACGAGGTCAAGAGATCGAGACCATCCCGGCNNNNNNNNNNAAAAAAAAAAAAAAAAAAAAAGGAAAGGGGAAATTTA on transcript NM_177438.3 (MANE Select); coding-DNA positions 5671 to 5672, GCCTGTAATCCCAGCACTTTGGGAGGCCGAGGCGGGCGGATCACGAGGTCAAGAGATCGAGACCATCCCGGCNNNNNNNNNNAAAAAAAAAAAAAAAAAAAAAGGAAAGGGGAAATTTA inserted.
Protein change: p.Lys1891delinsSerLeuTer.
Molecular consequence: nonsense. On other transcripts: 3 prime UTR variant (1), non-coding transcript variant (6).
Genome position: GRCh38: chr14:95,090,612-95,090,613. GRCh37 (hg19): chr14:95,556,949-95,556,950.
Other names: c.5671_5672insGCCTGTAATCCCAGCACTTTGGGAGGCCGAGGCGGGCGGATCACGAGGTCAAGAGATCGAGACCATCCCGGCNNNNNNNNNNAAAAAAAAAAAAAAAAAAAAAGGAAAGGGGAAATTTA, p.Lys1891delinsSerLeuTer (NM_001395683.1, NM_001395684.1, NM_001395682.1 and 7 more transcripts); c.5389_5390insGCCTGTAATCCCAGCACTTTGGGAGGCCGAGGCGGGCGGATCACGAGGTCAAGAGATCGAGACCATCCCGGCNNNNNNNNNNAAAAAAAAAAAAAAAAAAAAAGGAAAGGGGAAATTTA, p.Lys1797delinsSerLeuTer (NM_001395686.1); c.5266_5267insGCCTGTAATCCCAGCACTTTGGGAGGCCGAGGCGGGCGGATCACGAGGTCAAGAGATCGAGACCATCCCGGCNNNNNNNNNNAAAAAAAAAAAAAAAAAAAAAGGAAAGGGGAAATTTA, p.Lys1756delinsSerLeuTer (NM_001395687.1, NM_001395688.1, NM_001395689.1 and 1 more transcripts); c.*18_*19insGCCTGTAATCCCAGCACTTTGGGAGGCCGAGGCGGGCGGATCACGAGGTCAAGAGATCGAGACCATCCCGGCNNNNNNNNNNAAAAAAAAAAAAAAAAAAAAAGGAAAGGGGAAATTTA (NM_001195573.1); c.5104_5105insGCCTGTAATCCCAGCACTTTGGGAGGCCGAGGCGGGCGGATCACGAGGTCAAGAGATCGAGACCATCCCGGCNNNNNNNNNNAAAAAAAAAAAAAAAAAAAAAGGAAAGGGGAAATTTA, p.Lys1702delinsSerLeuTer (NM_001395691.1); c.3988_3989insGCCTGTAATCCCAGCACTTTGGGAGGCCGAGGCGGGCGGATCACGAGGTCAAGAGATCGAGACCATCCCGGCNNNNNNNNNNAAAAAAAAAAAAAAAAAAAAAGGAAAGGGGAAATTTA, p.Lys1330delinsSerLeuTer (NM_001395697.1).
Identifiers: ClinVar variation 4714475 (VCV004714475.1).